The following is an entry in ClinVar:

NM_001042424.3(NSD2):c.4095del (p.Lys1365fs)

Gene: NSD2 (nuclear receptor binding SET domain protein 2; plus strand). Cytogenetic location: 4p16.3.
Variant type: Deletion.
Coding change: c.4095del on transcript NM_001042424.3 (MANE Select); coding-DNA position 4095, one base deleted (A; older notation c.4095delA).
Protein change: p.Lys1365fs; shifts the reading frame from lysine 1365.
Molecular consequence: frameshift variant.
Genome position (GRCh38, 1-based): chr4:1,978,906, A deleted; the last of 3 consecutive A bases (chr4:1,978,904-1,978,906); deleting any one gives the same sequence. VCF-style (leftmost placement, unchanged base first): chr4-1978903-CA-C. GRCh37 (hg19) VCF-style: chr4-1980630-CA-C.
Other names: c.4095del, p.Lys1365fs (NM_133330.3, NM_133331.3, NM_133335.4); short protein forms K1365fs.
Identifiers: ClinVar variation 3377087 (VCV003377087.1).

ClinVar aggregate classification (germline): Uncertain significance (1 of 4 stars; one submission).

Conditions:
Rauch-Steindl syndrome (RAUST). Identifiers: Orphanet 659642, MedGen C5562061, MONDO:0859219, OMIM 619695.

Submission:

Victorian Clinical Genetics Services, Murdoch Childrens Research Institute
Classification: Uncertain significance for Rauch-Steindl syndrome. Last evaluated: 2024-10-09. Review status: criteria provided, single submitter. Criteria: ACMG Guidelines, 2015. Collection method: clinical testing. Allele origin: germline. Inheritance: Autosomal dominant inheritance. Affected: yes.
Comment: Based on the classification scheme VCGS_Germline_v1.3.4, this variant is classified as VUS-3A. Following criteria are met: 0103 - Loss of function and gain of function are known mechanisms of disease in this gene and are associated with Rauch-Steindl syndrome (MIM#619695) and a neurodevelopmental disorder, NSD2-related (MONDO:0700092), respectively. A single recurring missense variant with a gain of function mechanism has been reported to cause a more severe neurodevelopmental disorder, whereas loss of function missense variants and those resulting in a premature termination codon have been reported to cause Rauch-Steindl syndrome (PMID: 36189577, PMID: 33941880). (I) 0107 - This gene is associated with autosomal dominant disease. (I) 0208 - Variant is predicted to result in an elongated protein. (SP) 0251 - This variant is heterozygous. (I) 0301 - Variant is absent from gnomAD (both v2 and v3). (SP) 0604 - Variant does not affect an established domain, motif, hotspot or informative constraint region. (I) 0705 - No comparable protein elongating variants have previous evidence for pathogenicity. (I) 0807 - This variant has no previous evidence of pathogenicity. (I) 0905 - No published segregation evidence has been identified for this variant. (I) 1007 - No published functional evidence has been identified for this variant. (I) Legend: (SP) - Supporting pathogenic, (I) - Information, (SB) - Supporting benign

Literature cited by the submitters: PubMed 33941880; PubMed 36189577.